The following is an entry in ClinVar:

NC_000009.12:g.113275656A>T

Gene: PRPF4 (pre-mRNA splicing tri-snRNP complex factor PRPF4; plus strand). Cytogenetic location: 9q32.
Variant type: single nucleotide variant.
Genome position: GRCh38 VCF-style: chr9-113275656-A-T. GRCh37 (hg19) VCF-style: chr9-116037936-A-T.
Identifiers: ClinVar variation 1460817 (VCV001460817.6), dbSNP rs937766910, ClinGen allele CA198540117.

ClinVar aggregate classification (germline): Uncertain significance (1 of 4 stars; one submission).

Submission:

Labcorp Genetics (formerly Invitae), Labcorp
Classification: Uncertain significance. Last evaluated: 2022-07-22. Review status: criteria provided, single submitter. Criteria: Invitae Variant Classification Sherloc (09022015). Collection method: clinical testing. Allele origin: germline.
Comment: Experimental studies and prediction algorithms are not available or were not evaluated, and the functional significance of this variant is currently unknown. In summary, the available evidence is currently insufficient to determine the role of this variant in disease. Therefore, it has been classified as a Variant of Uncertain Significance. ClinVar contains an entry for this variant (Variation ID: 1460817). This variant occurs in a non-coding region of the PRPF4 gene. It does not change the encoded amino acid sequence of the PRPF4 protein. This variant is not present in population databases (gnomAD no frequency). This variant has not been reported in the literature in individuals affected with PRPF4-related conditions.